The following is an entry in ClinVar:

NM_006389.5(HYOU1):c.2302C>T (p.Arg768Cys)

Gene: HYOU1 (hypoxia up-regulated 1; minus strand). Cytogenetic location: 11q23.3.
Variant type: single nucleotide variant.
Coding change: c.2302C>T on transcript NM_006389.5 (MANE Select); coding-DNA position 2302, C replaced by T.
Protein change: p.Arg768Cys; replaces arginine 768 with cysteine.
Molecular consequence: missense variant.
Genome position (GRCh38, 1-based): chr11:119,048,322, G>A on the plus strand (C>T on the coding strand, the complement: HYOU1 is on the minus strand). VCF-style: chr11-119048322-G-A. GRCh37 (hg19) VCF-style: chr11-118919034-G-A.
Other names: c.2302C>T, p.Arg768Cys (NM_001130991.3, NM_001411041.1); c.2302C>T (NM_006389.3); short protein forms R768C.
Identifiers: ClinVar variation 3687659 (VCV003687659.3).

ClinVar aggregate classification (germline): Uncertain significance. Review status: criteria provided, multiple submitters, no conflicts (2 of 4 stars). 2 submissions from 2 submitters: Uncertain significance (2). Last evaluated 2025-08-07.

gnomAD v4.1: 9 of 1,610,568 alleles (0.00056%); highest among the groups gnomAD compares: Non-Finnish European, 0.00059%; no homozygotes.

Submissions (2):

Ambry Genetics
Classification: Uncertain significance. Last evaluated: 2025-08-07. Review status: criteria provided, single submitter. Criteria: Ambry Variant Classification Scheme 2023. Collection method: clinical testing. Allele origin: germline.

Labcorp Genetics (formerly Invitae), Labcorp
Classification: Uncertain significance. Last evaluated: 2024-08-23. Review status: criteria provided, single submitter. Criteria: Invitae Variant Classification Sherloc (09022015). Collection method: clinical testing. Allele origin: germline.
Comment: This sequence change replaces arginine, which is basic and polar, with cysteine, which is neutral and slightly polar, at codon 768 of the HYOU1 protein (p.Arg768Cys). This variant is present in population databases (rs782684393, gnomAD 0.005%). This variant has not been reported in the literature in individuals affected with HYOU1-related conditions. An algorithm developed to predict the effect of missense changes on protein structure and function (PolyPhen-2) suggests that this variant is likely to be disruptive. In summary, the available evidence is currently insufficient to determine the role of this variant in disease. Therefore, it has been classified as a Variant of Uncertain Significance.